The following is an entry in ClinVar:

NM_001370466.1(NOD2):c.2388C>T (p.Arg796=)

Gene: NOD2 (nucleotide binding oligomerization domain containing 2; plus strand). Cytogenetic location: 16q12.1.
Variant type: single nucleotide variant.
Coding change: c.2388C>T on transcript NM_001370466.1 (MANE Select); coding-DNA position 2388, C replaced by T.
Protein change: p.Arg796=; no amino-acid change (arginine 796 retained).
Molecular consequence: synonymous variant. On other transcripts: non-coding transcript variant (1).
Genome position (GRCh38, 1-based): chr16:50,716,593, C>T. VCF-style: chr16-50716593-C-T. GRCh37 (hg19) VCF-style: chr16-50750504-C-T.
Other names: c.2388C>T, p.Arg796= (NM_001293557.2); c.2469C>T, p.Arg823= (NM_022162.3).
Identifiers: ClinVar variation 1125650 (VCV001125650.11), dbSNP rs757770726, ClinGen allele CA8051794.
Genomic context (GRCh38, chr16:50,716,593, plus strand): 5'-TTTTTTCTTGTCTTACTAGCTCCATTTTCAAATGTATTTATTTTGTCTCTTTAGTTTGCG[C>T]GATAACAATATCTCAGACCGAGGCATCTGCAAGCTCATTGAATGTGCTCTTCACTGCGAG-3'
Protein context (NP_001357395.1, residues 786-806): CLGVCKALYL[Arg796=]DNNISDRGIC

ClinVar aggregate classification (germline): Likely benign. Review status: criteria provided, multiple submitters, no conflicts (2 of 4 stars). 2 submissions from 2 submitters: Likely benign (2). Last evaluated 2026-02-05.

Conditions:
Regional enteritis. Also called: Enteritis, Granulomatous. Identifiers: MedGen C0678202, MeSH D003424.
Blau syndrome (BLAUS). Also called: ARTHROCUTANEOUVEAL GRANULOMATOSIS; GRANULOMATOSIS, FAMILIAL JUVENILE SYSTEMIC; GRANULOMATOSIS, FAMILIAL, BLAU TYPE; GRANULOMATOUS INFLAMMATORY ARTHRITIS, DERMATITIS, AND UVEITIS, FAMILIAL; JABS SYNDROME. Identifiers: Orphanet 90340, MedGen C5201146, MONDO:0008523, OMIM 186580.

Allele frequency attached by ClinVar (database versions not stated): TOPMed 0.00003; gnomAD 0.00003.
gnomAD v4.1: 23 of 1,613,708 alleles (0.0014%); highest among the groups gnomAD compares: East Asian, 0.0067%; no homozygotes.

Submissions (2):

Dasa
Classification: Likely benign. Last evaluated: 2026-02-05. Review status: criteria provided, single submitter. Criteria: DASA Assertion Criteria. Collection method: clinical testing. Allele origin: germline.
Comment: NM_001370466.1(NOD2):c.2388C>T (p.Arg796=) is a synonymous variant predicted not to alter the encoded amino acid sequence. The variant context is inconsistent with a known disease-causing mechanism. Computational prediction algorithms are consistent with a benign effect. Therefore, based on the currently available evidence, this variant is classified as likely benign.

Labcorp Genetics (formerly Invitae), Labcorp
Classification: Likely benign for Regional enteritis; Blau syndrome. Last evaluated: 2022-03-23. Review status: criteria provided, single submitter. Criteria: Invitae Variant Classification Sherloc (09022015). Collection method: clinical testing. Allele origin: germline.